The following is an entry in ClinVar:

NM_024422.6(DSC2):c.1263+2dup

Gene: DSC2 (desmocollin 2; minus strand). Cytogenetic location: 18q12.1.
Variant type: Duplication.
Coding change: c.1263+2dup on transcript NM_024422.6 (MANE Select); the canonical splice donor site of the intron after coding-DNA position 1263, one base duplicated (T; older notation c.1263+2dupT).
Molecular consequence: splice donor variant.
Genome position (GRCh38, 1-based): chr18:31,082,236, A duplicated on the plus strand (T on the coding strand, the reverse complement: DSC2 is on the minus strand). VCF-style (leftmost placement, unchanged base first): chr18-31082235-T-TA. GRCh37 (hg19) VCF-style: chr18-28662201-T-TA.
Other names: c.1263+2dup (NM_004949.5).
Identifiers: ClinVar variation 951245 (VCV000951245.7), dbSNP rs1987243669, ClinGen allele CA1139665999.

ClinVar aggregate classification (germline): Uncertain significance (1 of 4 stars; one submission).

Conditions:
Arrhythmogenic right ventricular dysplasia 11. Also called: Arrhythmogenic Right Ventricular Dysplasia/Cardiomyopathy11; ARRHYTHMOGENIC RIGHT VENTRICULAR DYSPLASIA, FAMILIAL, 11; Arrhythmogenic right ventricular dysplasia 11 with mild palmoplantar keratoderma and woolly hair. Identifiers: MedGen C1864850, MONDO:0012506, OMIM 610476.

Submission:

Labcorp Genetics (formerly Invitae), Labcorp
Classification: Uncertain significance for Arrhythmogenic right ventricular dysplasia 11. Last evaluated: 2019-04-17. Review status: criteria provided, single submitter. Criteria: Invitae Variant Classification Sherloc (09022015). Collection method: clinical testing. Allele origin: germline.
Comment: This sequence change falls in intron 9 of the DSC2 gene. It does not directly change the encoded amino acid sequence of the DSC2 protein, but it affects a nucleotide within the consensus splice site of the intron. This variant is not present in population databases (ExAC no frequency). This variant has not been reported in the literature in individuals with DSC2-related conditions. Nucleotide substitutions within the consensus splice site are a relatively common cause of aberrant splicing (PMID: 17576681, 9536098). Algorithms developed to predict the effect of sequence changes on RNA splicing suggest that this variant may disrupt the consensus splice site, but this prediction has not been confirmed by published transcriptional studies. In summary, the available evidence is currently insufficient to determine the role of this variant in disease. Therefore, it has been classified as a Variant of Uncertain Significance.

Literature cited by the submitters: PubMed 17576681; PubMed 9536098.